The following is an entry in ClinVar:

ClinVar aggregate classification (germline): Uncertain significance (1 of 4 stars; one submission).

gnomAD v4.1: 15 of 1,581,090 alleles (0.00095%); highest among the groups gnomAD compares: Middle Eastern, 0.05%; no homozygotes.

Submission:

Ambry Genetics
Classification: Uncertain significance. Last evaluated: 2024-11-28. Review status: criteria provided, single submitter. Criteria: Ambry Variant Classification Scheme 2023. Collection method: clinical testing. Allele origin: germline.
Comment: The p.A2109V variant (also known as c.6326C>T), located in coding exon 27 of the WNK2 gene, results from a C to T substitution at nucleotide position 6326. The alanine at codon 2109 is replaced by valine, an amino acid with similar properties. This amino acid position is conserved. In addition, this alteration is predicted to be tolerated by in silico analysis. Based on the available evidence, the clinical significance of this variant remains unclear.

NM_006648.4(WNK2):c.6326C>T (p.Ala2109Val)

Gene: WNK2 (WNK lysine deficient protein kinase 2; plus strand). Cytogenetic location: 9q22.31.
Variant type: single nucleotide variant.
Coding change: c.6326C>T on transcript NM_006648.4 (MANE Select); coding-DNA position 6326, C replaced by T.
Protein change: p.Ala2109Val; replaces alanine 2109 with valine.
Molecular consequence: missense variant.
Genome position (GRCh38, 1-based): chr9:93,308,394, C>T. VCF-style: chr9-93308394-C-T. GRCh37 (hg19) VCF-style: chr9-96070676-C-T.
Other names: c.6437C>T, p.Ala2146Val (NM_001282394.3); short protein forms A2146V, A2109V.
Identifiers: ClinVar variation 3470503 (VCV003470503.1).